The following is an entry in ClinVar:

ClinVar aggregate classification (germline): Conflicting classifications of pathogenicity. Review status: criteria provided, conflicting classifications (1 of 4 stars). 2 submissions from 2 submitters: Uncertain significance (1); Benign (1). Last evaluated 2026-01-11.

Conditions:
Cleft lip/palate-ectodermal dysplasia syndrome (CLPED1). Also called: ECTODERMAL DYSPLASIA, CLEFT LIP AND PALATE, MENTAL RETARDATION, AND SYNDACTYLY; ECTODERMAL DYSPLASIA, MARGARITA ISLAND TYPE; ECTODERMAL DYSPLASIA, TYPE 4; ZLOTOGORA-OGUR SYNDROME; Zlotogora syndrome. Identifiers: Orphanet 3253, MedGen C2931488, MONDO:0009151, OMIM 225060.

Allele frequency attached by ClinVar (database versions not stated): 1000 Genomes Project 0.00040; 1000 Genomes Project 30x 0.00047; ESP Exome Variant Server 0.00077; gnomAD 0.00084 and 0.00087; TOPMed 0.00107; ExAC 0.00144.
gnomAD v4.1: 1,612 of 1,614,040 alleles (0.1%); highest among the groups gnomAD compares: Admixed American, 0.24%; 7 homozygotes.

Submissions (2):

Labcorp Genetics (formerly Invitae), Labcorp
Classification: Benign. Last evaluated: 2026-01-11. Review status: criteria provided, single submitter. Criteria: Invitae Variant Classification Sherloc (09022015). Collection method: clinical testing. Allele origin: germline.

Illumina Laboratory Services, Illumina
Classification: Uncertain significance for Cleft lip/palate-ectodermal dysplasia syndrome. Last evaluated: 2017-04-27. Review status: criteria provided, single submitter. Criteria: ICSL Variant Classification Criteria 13 December 2019. Collection method: clinical testing. Allele origin: germline.
Comment: This variant was observed as part of a predisposition screen in an ostensibly healthy population. A literature search was performed for the gene, cDNA change, and amino acid change (where applicable). Publications were found based on this search. However, the evidence from the literature, in combination with allele frequency data from public databases where available, was not sufficient to rule this variant in or out of causing disease. Therefore, this variant is classified as a variant of unknown significance.

Literature cited by the submitters: PubMed 16674562 (cited by Illumina Laboratory Services, Illumina); PubMed 17089422 (cited by Illumina Laboratory Services, Illumina).

NM_002855.5(NECTIN1):c.629G>A (p.Arg210His)

Gene: NECTIN1 (nectin cell adhesion molecule 1; minus strand). Cytogenetic location: 11q23.3.
Variant type: single nucleotide variant.
Coding change: c.629G>A on transcript NM_002855.5 (MANE Select); coding-DNA position 629, G replaced by A.
Protein change: p.Arg210His; replaces arginine 210 with histidine.
Molecular consequence: missense variant.
Genome position (GRCh38, 1-based): chr11:119,677,659, C>T on the plus strand (G>A on the coding strand, the complement: NECTIN1 is on the minus strand). VCF-style: chr11-119677659-C-T. GRCh37 (hg19) VCF-style: chr11-119548369-C-T.
Other names: c.629G>A, p.Arg210His (NM_203285.2, NM_203286.2); short protein forms R210H.
Identifiers: ClinVar variation 880239 (VCV000880239.9), dbSNP rs142863092, ClinGen allele CA6322042.